The following is an entry in ClinVar:

NM_001927.4(DES):c.1240A>G (p.Ser414Gly)

Gene: DES (desmin; plus strand). Cytogenetic location: 2q35.
Variant type: single nucleotide variant.
Coding change: c.1240A>G on transcript NM_001927.4 (MANE Select); coding-DNA position 1240, A replaced by G.
Protein change: p.Ser414Gly; replaces serine 414 with glycine.
Molecular consequence: missense variant.
Genome position (GRCh38, 1-based): chr2:219,421,556, A>G. VCF-style: chr2-219421556-A-G. GRCh37 (hg19) VCF-style: chr2-220286278-A-G.
Other names: c.1237A>G, p.Ser413Gly (NM_001382708.1); c.808A>G, p.Ser270Gly (NM_001382709.1); c.1171A>G, p.Ser391Gly (NM_001382710.1); c.1219A>G, p.Ser407Gly (NM_001382711.1); c.1240A>G, p.Ser414Gly (NM_001382712.1); c.970A>G, p.Ser324Gly (NM_001382713.1); short protein forms S414G, S413G, S270G, S324G, S407G, S391G.
Identifiers: ClinVar variation 2081782 (VCV002081782.4), dbSNP rs2545255535, ClinGen allele CA350695114.

ClinVar aggregate classification (germline): Uncertain significance (1 of 4 stars; one submission).

Conditions:
Desmin-related myofibrillar myopathy (MFM1). Also called: Desminopathy; Desmin related myopathy (former name); Desmin storage myopathy (former name); MYOFIBRILLAR MYOPATHY WITH ARRHYTHMOGENIC RIGHT VENTRICULAR CARDIOMYOPATHY; DESMIN-RELATED MYOPATHY WITH ARRHYTHMOGENIC RIGHT VENTRICULAR CARDIOMYOPATHY; Myofibrillar myopathy 1. Identifiers: Orphanet 363543, Orphanet 98909, MedGen C1832370, MONDO:0011076, OMIM 601419.

Submission:

Labcorp Genetics (formerly Invitae), Labcorp
Classification: Uncertain significance for Desmin-related myofibrillar myopathy. Last evaluated: 2025-06-23. Review status: criteria provided, single submitter. Criteria: Invitae Variant Classification Sherloc (09022015). Collection method: clinical testing. Allele origin: germline.
Comment: This sequence change replaces serine, which is neutral and polar, with glycine, which is neutral and non-polar, at codon 414 of the DES protein (p.Ser414Gly). This variant is not present in population databases (gnomAD no frequency). This variant has not been reported in the literature in individuals affected with DES-related conditions. ClinVar contains an entry for this variant (Variation ID: 2081782). Invitae Evidence Modeling of protein sequence and biophysical properties (such as structural, functional, and spatial information, amino acid conservation, physicochemical variation, residue mobility, and thermodynamic stability) has been performed for this missense variant. However, the output from this modeling did not meet the statistical confidence thresholds required to predict the impact of this variant on DES protein function. In summary, the available evidence is currently insufficient to determine the role of this variant in disease. Therefore, it has been classified as a Variant of Uncertain Significance.